The following is an entry in ClinVar:

ClinVar aggregate classification (germline): Uncertain significance (1 of 4 stars; one submission).

Conditions:
Leukocyte adhesion deficiency type II. Also called: CONGENITAL DISORDER OF GLYCOSYLATION, TYPE IIc; CDG IIc; Congenital disorder of glycosylation type 2C; CDG 2C; Leukocyte adhesion deficiency type 2; Rambam Hasharon syndrome. Identifiers: Orphanet 2968, Orphanet 99843, MedGen C0398739, MONDO:0009953, OMIM 266265.

Allele frequency attached by ClinVar (database versions not stated): TOPMed below 0.00001; gnomAD exomes 0.00001; ExAC 0.00002; ESP Exome Variant Server 0.00008.
gnomAD v4.1: 10 of 1,613,846 alleles (0.00062%); highest among the groups gnomAD compares: Non-Finnish European, 0.00085%; no homozygotes.

Submission:

Labcorp Genetics (formerly Invitae), Labcorp
Classification: Uncertain significance for Leukocyte adhesion deficiency type II. Last evaluated: 2022-06-11. Review status: criteria provided, single submitter. Criteria: Invitae Variant Classification Sherloc (09022015). Collection method: clinical testing. Allele origin: germline.
Comment: This sequence change replaces arginine, which is basic and polar, with tryptophan, which is neutral and slightly polar, at codon 8 of the SLC35C1 protein (p.Arg8Trp). This variant is present in population databases (rs376834333, gnomAD 0.004%). This variant has not been reported in the literature in individuals affected with SLC35C1-related conditions. Algorithms developed to predict the effect of missense changes on protein structure and function are either unavailable or do not agree on the potential impact of this missense change (SIFT: "Deleterious"; PolyPhen-2: "Probably Damaging"; Align-GVGD: "Class C0"). In summary, the available evidence is currently insufficient to determine the role of this variant in disease. Therefore, it has been classified as a Variant of Uncertain Significance.

NM_018389.5(SLC35C1):c.22C>T (p.Arg8Trp)

Gene: SLC35C1 (solute carrier family 35 member C1; plus strand). Cytogenetic location: 11p11.2.
Variant type: single nucleotide variant.
Coding change: c.22C>T on transcript NM_018389.5 (MANE Select); coding-DNA position 22, C replaced by T.
Protein change: p.Arg8Trp; replaces arginine 8 with tryptophan.
Molecular consequence: missense variant. On other transcripts: 5 prime UTR variant (1).
Genome position (GRCh38, 1-based): chr11:45,805,823, C>T. VCF-style: chr11-45805823-C-T. GRCh37 (hg19) VCF-style: chr11-45827374-C-T.
Other names: c.-18C>T (NM_001145265.2, NM_001145266.2); short protein forms R8W.
Identifiers: ClinVar variation 2417630 (VCV002417630.4), dbSNP rs376834333, ClinGen allele CA5958168.
Genomic context (GRCh38, chr11:45,805,823, plus strand): 5'-AGAGTTCTGGCCGCGGGGTGACCCAGCTCCTCTGCTACCATGAATAGGGCCCCTCTGAAG[C>T]GGTCCAGGATCCTGCACATGGCGCTGACCGGGGCCTCAGACCCCTCTGCAGAGGCAGAGG-3'
Protein context (NP_060859.4, residues 1-18): MNRAPLK[Arg8Trp]SRILHMALTG